The following is an entry in ClinVar:

ClinVar aggregate classification (germline): Uncertain significance (1 of 4 stars; one submission).

Conditions:
Early-infantile DEE. Also called: Ohtahara syndrome; Early infantile epileptic encephalopathy; Early infantile epileptic encephalopathy with suppression bursts. Identifiers: Orphanet 1934, MedGen C0393706, MONDO:0800491.

Allele frequency attached by ClinVar (database versions not stated): TOPMed below 0.00001; ExAC 0.00001; gnomAD exomes 0.00001.
gnomAD v4.1: 20 of 1,613,334 alleles (0.0012%); highest among the groups gnomAD compares: Non-Finnish European, 0.0014%; no homozygotes.

Submission:

Labcorp Genetics (formerly Invitae), Labcorp
Classification: Uncertain significance for Early-infantile DEE. Last evaluated: 2022-11-01. Review status: criteria provided, single submitter. Criteria: Invitae Variant Classification Sherloc (09022015). Collection method: clinical testing. Allele origin: germline.
Comment: In summary, the available evidence is currently insufficient to determine the role of this variant in disease. Therefore, it has been classified as a Variant of Uncertain Significance. Advanced modeling of protein sequence and biophysical properties (such as structural, functional, and spatial information, amino acid conservation, physicochemical variation, residue mobility, and thermodynamic stability) performed at Invitae indicates that this missense variant is not expected to disrupt SLC25A22 protein function. ClinVar contains an entry for this variant (Variation ID: 1525675). This variant has not been reported in the literature in individuals affected with SLC25A22-related conditions. This variant is present in population databases (rs774410865, gnomAD 0.002%). This sequence change replaces valine, which is neutral and non-polar, with methionine, which is neutral and non-polar, at codon 120 of the SLC25A22 protein (p.Val120Met).

NM_001191061.2(SLC25A22):c.358G>A (p.Val120Met)

Gene: SLC25A22 (solute carrier family 25 member 22; minus strand). Cytogenetic location: 11p15.5.
Variant type: single nucleotide variant.
Coding change: c.358G>A on transcript NM_001191061.2 (MANE Select); coding-DNA position 358, G replaced by A.
Protein change: p.Val120Met; replaces valine 120 with methionine.
Molecular consequence: missense variant.
Genome position (GRCh38, 1-based): chr11:792,924, C>T on the plus strand (G>A on the coding strand, the complement: SLC25A22 is on the minus strand). VCF-style: chr11-792924-C-T. GRCh37 (hg19) VCF-style: chr11-792924-C-T.
Other names: c.358G>A, p.Val120Met (NM_001191060.2, NM_024698.6); short protein forms V120M.
Identifiers: ClinVar variation 1525675 (VCV001525675.9), dbSNP rs774410865, ClinGen allele CA5789233.
Genomic context (GRCh38, chr11:792,924, plus strand): 5'-CCTCACCAATGCGCCCTGCATCCTGCAGCTGGATCTTCAGCATCTCCATGGGCGTGGTCA[C>T]GATCACCTGGCAGGTGCCAGCCCCACAGCCCGCCAGCATCTCTTTAAGCAGGGTCAGCTT-3'
Protein context (NP_001177990.1, residues 110-130): GCGAGTCQVI[Val120Met]TTPMEMLKIQ